The following is an entry in ClinVar:

NM_000070.3(CAPN3):c.2218G>A (p.Gly740Ser)

Gene: CAPN3 (calpain 3; plus strand). Cytogenetic location: 15q15.1.
Variant type: single nucleotide variant.
Coding change: c.2218G>A on transcript NM_000070.3 (MANE Select); coding-DNA position 2218, G replaced by A.
Protein change: p.Gly740Ser; replaces glycine 740 with serine.
Molecular consequence: missense variant.
Genome position (GRCh38, 1-based): chr15:42,410,621, G>A. VCF-style: chr15-42410621-G-A. GRCh37 (hg19) VCF-style: chr15-42702819-G-A.
Other names: c.2200G>A, p.Gly734Ser (NM_024344.2); c.1942G>A, p.Gly648Ser (NM_173087.2); c.682G>A, p.Gly228Ser (NM_173088.2); c.223G>A, p.Gly75Ser (NM_173089.2, NM_173090.2); short protein forms G740S, G734S, G228S, G648S, G75S.
Identifiers: ClinVar variation 92410 (VCV000092410.14), dbSNP rs398123145, ClinGen allele CA220344.

ClinVar aggregate classification (germline): Uncertain significance. Review status: criteria provided, multiple submitters, no conflicts (2 of 4 stars). 6 submissions from 6 submitters: Uncertain significance (4). 2 of the submissions do not count toward it. Last evaluated 2026-08-05.

Conditions:
CAPN3-related disorder. Also called: CAPN3-related disorders; CAPN3-related condition. Identifiers: MedGen CN239245.
Inborn genetic diseases. Identifiers: MedGen C0950123, MeSH D030342.
Autosomal recessive limb-girdle muscular dystrophy type 2A (LGMDR1). Also called: MUSCULAR DYSTROPHY, PELVOFEMORAL; LEYDEN-MOEBIUS MUSCULAR DYSTROPHY; Limb-girdle muscular dystrophy, type 2A; Calpainopathy; Muscular dystrophy, limb-girdle, type 2A, Amish. Identifiers: Orphanet 267, MedGen C1869123, MONDO:0009675, OMIM 253600. Disease mechanism: loss of function.

Allele frequency attached by ClinVar (database versions not stated): gnomAD 0.00002; ExAC 0.00001; gnomAD exomes 0.00001; TOPMed 0.00003.
gnomAD v4.1: 19 of 1,613,854 alleles (0.0012%); highest among the groups gnomAD compares: Middle Eastern, 0.016%; no homozygotes.

Submissions (6):

Ambry Genetics
Classification: Uncertain significance for Inborn genetic diseases. Last evaluated: 2026-08-05. Review status: criteria provided, single submitter. Criteria: Ambry Variant Classification Scheme 2023. Collection method: clinical testing. Allele origin: germline.

Labcorp Genetics (formerly Invitae), Labcorp
Classification: Uncertain significance for Autosomal recessive limb-girdle muscular dystrophy type 2A. Last evaluated: 2025-11-10. Review status: criteria provided, single submitter. Criteria: Invitae Variant Classification Sherloc (09022015). Collection method: clinical testing. Allele origin: germline.
Comment: This sequence change replaces glycine, which is neutral and non-polar, with serine, which is neutral and polar, at codon 740 of the CAPN3 protein (p.Gly740Ser). This variant is present in population databases (rs398123145, gnomAD 0.008%). This variant has not been reported in the literature in individuals affected with CAPN3-related conditions. ClinVar contains an entry for this variant (Variation ID: 92410). Invitae Evidence Modeling of protein sequence and biophysical properties (such as structural, functional, and spatial information, amino acid conservation, physicochemical variation, residue mobility, and thermodynamic stability) has been performed for this missense variant. However, the output from this modeling did not meet the statistical confidence thresholds required to predict the impact of this variant on CAPN3 protein function. In summary, the available evidence is currently insufficient to determine the role of this variant in disease. Therefore, it has been classified as a Variant of Uncertain Significance.

Revvity Omics, Revvity
Classification: Uncertain significance. Last evaluated: 2019-07-19. Review status: criteria provided, single submitter. Criteria: ACMG Guidelines, 2015. Collection method: clinical testing. Allele origin: germline.

Eurofins Ntd Llc (ga)
Classification: Uncertain significance. Last evaluated: 2013-05-29. Review status: criteria provided, single submitter. Criteria: EGL Classification Definitions 2015. Collection method: clinical testing. Allele origin: germline. Observed: 2 variant alleles, 2 heterozygotes.

PreventionGenetics, part of Exact Sciences
Classification: Uncertain significance for CAPN3-related condition. Last evaluated: 2024-04-22. Review status: no assertion criteria provided. Collection method: clinical testing. Allele origin: germline. Not counted in ClinVar's aggregate classification.
Comment: The CAPN3 c.2218G>A variant is predicted to result in the amino acid substitution p.Gly740Ser. To our knowledge, this variant has not been reported in the literature. This variant is reported in 0.0080% of alleles in individuals of African descent in gnomAD. At this time, the clinical significance of this variant is uncertain due to the absence of conclusive functional and genetic evidence.

Natera, Inc.
Classification: Uncertain significance for Limb-girdle muscular dystrophy type 2A. Last evaluated: 2020-09-16. Review status: no assertion criteria provided. Collection method: clinical testing. Allele origin: germline. Not counted in ClinVar's aggregate classification.